The following is an entry in ClinVar:

ClinVar aggregate classification (germline): Uncertain significance. Review status: criteria provided, multiple submitters, no conflicts (2 of 4 stars). 2 submissions from 2 submitters: Uncertain significance (2). Last evaluated 2026-08-11.

Conditions:
FUS-related disorder. Also called: FUS-related condition.
Amyotrophic lateral sclerosis type 6. Also called: Amyotrophic lateral sclerosis 6, with or without frontotemporal dementia; FUS-Related Amyotrophic Laterial Sclerosis; AMYOTROPHIC LATERAL SCLEROSIS 6 WITHOUT FRONTOTEMPORAL DEMENTIA. Identifiers: Orphanet 275872, Orphanet 803, MedGen C2931786, MONDO:0011951, OMIM 608030.
Tremor, hereditary essential, 4 (ETM4). Identifiers: MedGen C3539195, MONDO:0013888, OMIM 614782.

Allele frequency attached by ClinVar (database versions not stated): gnomAD 0.00001.
gnomAD v4.1: 12 of 1,609,178 alleles (0.00075%); highest among the groups gnomAD compares: Non-Finnish European, 0.00025%; no homozygotes.

Submissions (2):

PreventionGenetics, part of Exact Sciences
Classification: Uncertain significance for FUS-related condition. Last evaluated: 2026-08-11. Review status: criteria provided, single submitter. Criteria: ACMG Guidelines, 2015. Collection method: clinical testing. Allele origin: germline.
Comment: The FUS c.701G>A variant is predicted to result in the amino acid substitution p.Arg234His. To our knowledge, this variant has not been reported in the literature. This variant is reported in 0.041% of alleles in individuals of Ashkenazi Jewish descent in gnomAD. At this time, the clinical significance of this variant is uncertain due to the absence of conclusive functional and genetic evidence.

Labcorp Genetics (formerly Invitae), Labcorp
Classification: Uncertain significance for Tremor, hereditary essential, 4; Amyotrophic lateral sclerosis type 6. Last evaluated: 2019-02-19. Review status: criteria provided, single submitter. Criteria: Invitae Variant Classification Sherloc (09022015). Collection method: clinical testing. Allele origin: germline.
Comment: This variant is present in population databases (rs749434237, ExAC 0.008%). In summary, the available evidence is currently insufficient to determine the role of this variant in disease. Therefore, it has been classified as a Variant of Uncertain Significance. Algorithms developed to predict the effect of missense changes on protein structure and function are either unavailable or do not agree on the potential impact of this missense change (SIFT: "Tolerated"; PolyPhen-2: "Probably Damaging"; Align-GVGD: "Class C0"). This variant has not been reported in the literature in individuals with FUS-related conditions. This sequence change replaces arginine with histidine at codon 234 of the FUS protein (p.Arg234His). The arginine residue is highly conserved and there is a small physicochemical difference between arginine and histidine.

NM_004960.4(FUS):c.701G>A (p.Arg234His)

Gene: FUS (FUS RNA binding protein; plus strand). Cytogenetic location: 16p11.2.
Variant type: single nucleotide variant.
Coding change: c.701G>A on transcript NM_004960.4 (MANE Select); coding-DNA position 701, G replaced by A.
Protein change: p.Arg234His; replaces arginine 234 with histidine.
Molecular consequence: missense variant. On other transcripts: non-coding transcript variant (1).
Genome position (GRCh38, 1-based): chr16:31,185,116, G>A. VCF-style: chr16-31185116-G-A. GRCh37 (hg19) VCF-style: chr16-31196437-G-A.
Other names: c.698G>A, p.Arg233His (NM_001170634.1); c.689G>A, p.Arg230His (NM_001170937.1); short protein forms R230H, R233H, R234H.
Identifiers: ClinVar variation 970072 (VCV000970072.7), dbSNP rs749434237, ClinGen allele CA8023769.